The following is an entry in ClinVar:

NM_000135.4(FANCA):c.3754G>T (p.Glu1252Ter)

Gene: FANCA (FA complementation group A; minus strand). Cytogenetic location: 16q24.3.
Variant type: single nucleotide variant.
Coding change: c.3754G>T on transcript NM_000135.4 (MANE Select); coding-DNA position 3754, G replaced by T.
Protein change: p.Glu1252Ter; replaces glutamic acid 1252 with a stop codon.
Molecular consequence: nonsense.
Genome position (GRCh38, 1-based): chr16:89,742,811, C>A on the plus strand (G>T on the coding strand, the complement: FANCA is on the minus strand). VCF-style: chr16-89742811-C-A. GRCh37 (hg19) VCF-style: chr16-89809219-C-A.
Other names: c.3754G>T, p.Glu1252Ter (NM_001286167.3); short protein forms E1252*.
Identifiers: ClinVar variation 2201865 (VCV002201865.4), dbSNP rs766875357, ClinGen allele CA397485295.

ClinVar aggregate classification (germline): Pathogenic (1 of 4 stars; one submission).

Conditions:
Fanconi anemia (FA). Also called: Fanconi's anemia. Identifiers: Orphanet 84, MedGen C0015625, MeSH D005199, MONDO:0019391.

gnomAD v4.1: 2 of 1,614,144 alleles (0.00012%); highest among the groups gnomAD compares: South Asian, 0.0011%; no homozygotes.

Submission:

Labcorp Genetics (formerly Invitae), Labcorp
Classification: Pathogenic for Fanconi anemia. Last evaluated: 2022-08-08. Review status: criteria provided, single submitter. Criteria: Invitae Variant Classification Sherloc (09022015). Collection method: clinical testing. Allele origin: germline.
Comment: This premature translational stop signal has been observed in individual(s) with fanconi anaemia (PMID: 22178060). Algorithms developed to predict the effect of sequence changes on RNA splicing suggest that this variant may disrupt the consensus splice site. For these reasons, this variant has been classified as Pathogenic. This variant is not present in population databases (gnomAD no frequency). This sequence change creates a premature translational stop signal (p.Glu1252*) in the FANCA gene. It is expected to result in an absent or disrupted protein product. Loss-of-function variants in FANCA are known to be pathogenic (PMID: 19367192).

Literature cited by the submitters: PubMed 22178060; PubMed 19367192.